The following is an entry in ClinVar:

ClinVar aggregate classification (germline): Benign (1 of 4 stars; one submission).

Allele frequency attached by ClinVar (database versions not stated): 1000 Genomes Project 0.55731; 1000 Genomes Project 30x 0.55778; gnomAD 0.61546 and 0.61778; TOPMed 0.62101.
gnomAD v4.1: 93,547 of 151,866 alleles (62%); highest among the groups gnomAD compares: Non-Finnish European, 67%; 29,127 homozygotes.

Submission:

GeneDx
Classification: Benign. Last evaluated: 2018-06-14. Review status: criteria provided, single submitter. Criteria: GeneDx Variant Classification (06012015). Collection method: clinical testing. Allele origin: germline. Affected: yes.
Comment: This variant is considered likely benign or benign based on one or more of the following criteria: it is a conservative change, it occurs at a poorly conserved position in the protein, it is predicted to be benign by multiple in silico algorithms, and/or has population frequency not consistent with disease.

NM_022124.6(CDH23):c.2290-267C>T

Gene: CDH23 (cadherin related 23; plus strand). Cytogenetic location: 10q22.1.
Variant type: single nucleotide variant.
Coding change: c.2290-267C>T on transcript NM_022124.6 (MANE Select); 267 bases into the intron before coding-DNA position 2290, C replaced by T.
Molecular consequence: intron variant.
Genome position (GRCh38, 1-based): chr10:71,695,151, C>T. VCF-style: chr10-71695151-C-T. GRCh37 (hg19) VCF-style: chr10-73454908-C-T.
Other names: c.2290-267C>T (NM_001171930.2, NM_001171931.2).
Identifiers: ClinVar variation 680502 (VCV000680502.1), dbSNP rs3752753, ClinGen allele CA13280471.